The following is an entry in ClinVar:

ClinVar aggregate classification (germline): Pathogenic (1 of 4 stars; one submission).

Submission:

GeneDx
Classification: Pathogenic. Last evaluated: 2022-05-11. Review status: criteria provided, single submitter. Criteria: GeneDx Variant Classification Process June 2021. Collection method: clinical testing. Allele origin: germline. Affected: yes.
Comment: Reported as heterozygous variant in two individuals with short stature and feeding problems, receiving growth hormone treatment (Walenkamp et al., 2019); Nonsense variant predicted to result in protein truncation or nonsense mediated decay in a gene for which loss of function is a known mechanism of disease; Not observed at significant frequency in large population cohorts (gnomAD); This variant is associated with the following publications: (PMID: 30848790)

NM_000875.5(IGF1R):c.3190C>T (p.Arg1064Ter)

Gene: IGF1R (insulin like growth factor 1 receptor; plus strand). Cytogenetic location: 15q26.3.
Variant type: single nucleotide variant.
Coding change: c.3190C>T on transcript NM_000875.5 (MANE Select); coding-DNA position 3190, C replaced by T.
Protein change: p.Arg1064Ter; replaces arginine 1064 with a stop codon.
Molecular consequence: nonsense.
Genome position (GRCh38, 1-based): chr15:98,935,319, C>T. VCF-style: chr15-98935319-C-T. GRCh37 (hg19) VCF-style: chr15-99478548-C-T.
Other names: c.3187C>T, p.Arg1063Ter (NM_001291858.2); short protein forms R1063*, R1064*.
Identifiers: ClinVar variation 1723826 (VCV001723826.2), dbSNP rs2151708486, ClinGen allele CA393658728.
Genomic context (GRCh38, chr15:98,935,319, plus strand): 5'-AGGCATCAGCAAGGGCCACCTGACCCTCTGAGTCTTTCTCTTTTTGATTCCTCCCAGGTG[C>T]GATTGCTGGGTGTGGTGTCCCAAGGCCAGCCAACACTGGTCATCATGGAACTGATGACAC-3'